The following is an entry in ClinVar:

ClinVar aggregate classification (germline): Uncertain significance (1 of 4 stars; one submission).

Conditions:
Periodic fever-infantile enterocolitis-autoinflammatory syndrome. Also called: Autoinflammation with infantile enterocolitis. Identifiers: Orphanet 436166, MedGen C4015067, MONDO:0014472, OMIM 616050.
Familial cold autoinflammatory syndrome 4 (FCAS4). Identifiers: Orphanet 47045, Orphanet 576349, MedGen C4015276, MONDO:0014498, OMIM 616115.

Allele frequency attached by ClinVar (database versions not stated): TOPMed below 0.00001.
gnomAD v4.1: 12 of 1,614,024 alleles (0.00074%); highest among the groups gnomAD compares: Non-Finnish European, 0.00093%; no homozygotes.

Submission:

Labcorp Genetics (formerly Invitae), Labcorp
Classification: Uncertain significance for Periodic fever-infantile enterocolitis-autoinflammatory syndrome; Familial cold autoinflammatory syndrome 4. Last evaluated: 2025-10-23. Review status: criteria provided, single submitter. Criteria: Invitae Variant Classification Sherloc (09022015). Collection method: clinical testing. Allele origin: germline.
Comment: This sequence change replaces serine, which is neutral and polar, with glycine, which is neutral and non-polar, at codon 163 of the NLRC4 protein (p.Ser163Gly). This variant is present in population databases (no rsID available, gnomAD 0.0009%). This variant has not been reported in the literature in individuals affected with NLRC4-related conditions. ClinVar contains an entry for this variant (Variation ID: 1462183). Invitae Evidence Modeling of protein sequence and biophysical properties (such as structural, functional, and spatial information, amino acid conservation, physicochemical variation, residue mobility, and thermodynamic stability) has been performed for this missense variant. However, the output from this modeling did not meet the statistical confidence thresholds required to predict the impact of this variant on NLRC4 protein function. In summary, the available evidence is currently insufficient to determine the role of this variant in disease. Therefore, it has been classified as a Variant of Uncertain Significance.

NM_001199138.2(NLRC4):c.487A>G (p.Ser163Gly)

Gene: NLRC4 (NLR family CARD domain containing 4; minus strand). Cytogenetic location: 2p22.3.
Variant type: single nucleotide variant.
Coding change: c.487A>G on transcript NM_001199138.2 (MANE Select); coding-DNA position 487, A replaced by G.
Protein change: p.Ser163Gly; replaces serine 163 with glycine.
Molecular consequence: missense variant. On other transcripts: intron variant (1).
Genome position (GRCh38, 1-based): chr2:32,251,377, T>C on the plus strand (A>G on the coding strand, the complement: NLRC4 is on the minus strand). VCF-style: chr2-32251377-T-C. GRCh37 (hg19) VCF-style: chr2-32476446-T-C.
Other names: c.487A>G, p.Ser163Gly (NM_001199139.2, NM_021209.5); c.262+1042A>G (NM_001302504.1); short protein forms S163G.
Identifiers: ClinVar variation 1462183 (VCV001462183.6), dbSNP rs1176561773, ClinGen allele CA346515893.